The following is an entry in ClinVar:

ClinVar aggregate classification (germline): Uncertain significance (1 of 4 stars; one submission).

Conditions:
Intellectual developmental disorder, autosomal dominant 64. Also called: MENTAL RETARDATION, AUTOSOMAL DOMINANT 64. Identifiers: MedGen C5543067, MONDO:0030934, OMIM 619188.

gnomAD v4.1: 9 of 1,613,746 alleles (0.00056%); highest among the groups gnomAD compares: Non-Finnish European, 0.00076%; no homozygotes.

Submission:

Clinical Genomics Laboratory, Washington University in St. Louis
Classification: Uncertain significance for Intellectual developmental disorder, autosomal dominant 64. Last evaluated: 2025-10-28. Review status: criteria provided, single submitter. Criteria: ACMG Guidelines, 2015. Collection method: clinical testing. Allele origin: germline.
Comment: The ZNF292 c.1224G>A (p.Met408Ile) variant, to our knowledge, has not been reported in the medical literature. This variant is only observed in 1/248,730 alleles in the general population (gnomAD v.2.1.1), indicating it is not a common variant. This variant resides within exon 8 located which encodes a large DNA binding domain of the protein where most reported variants are located (Mirzaa G et al., PMID: 31723249). Computational predictors vary in their predictions regarding the effect of this variant on ZNF292 function. Due to limited information, and based on ACMG/AMP guidelines for variant interpretation (Richards S et al., PMID: 25741868), the clinical significance of this variant is uncertain at this time.

NM_015021.3(ZNF292):c.1224G>A (p.Met408Ile)

Gene: ZNF292 (zinc finger protein 292; plus strand). Cytogenetic location: 6q14.3.
Variant type: single nucleotide variant.
Coding change: c.1224G>A on transcript NM_015021.3 (MANE Select); coding-DNA position 1224, G replaced by A.
Protein change: p.Met408Ile; replaces methionine 408 with isoleucine.
Molecular consequence: missense variant.
Genome position (GRCh38, 1-based): chr6:87,254,853, G>A. VCF-style: chr6-87254853-G-A. GRCh37 (hg19) VCF-style: chr6-87964571-G-A.
Other names: c.804G>A, p.Met268Ile (NM_001351444.2); short protein forms M268I, M408I.
Identifiers: ClinVar variation 4879303 (VCV004879303.1).